The following is an entry in ClinVar:

ClinVar aggregate classification (germline): Uncertain significance (1 of 4 stars; one submission).

Submission:

GeneDx
Classification: Uncertain significance. Last evaluated: 2019-09-18. Review status: criteria provided, single submitter. Criteria: GeneDx Variant Classification Process June 2021. Collection method: clinical testing. Allele origin: germline. Affected: yes.
Comment: Not observed in large population cohorts (Lek et al., 2016); In silico analysis, which includes protein predictors and evolutionary conservation, supports that this variant does not alter protein structure/function; Has not been previously published as pathogenic or benign to our knowledge; Variants in candidate genes are classified as variants of uncertain significance in accordance with ACMG guidelines (Richards et al., 2015)

NM_016148.5(SHANK1):c.5258C>T (p.Thr1753Ile)

Gene: SHANK1 (SH3 and multiple ankyrin repeat domains 1; minus strand). Cytogenetic location: 19q13.33.
Variant type: single nucleotide variant.
Coding change: c.5258C>T on transcript NM_016148.5 (MANE Select); coding-DNA position 5258, C replaced by T.
Protein change: p.Thr1753Ile; replaces threonine 1753 with isoleucine.
Molecular consequence: missense variant.
Genome position (GRCh38, 1-based): chr19:50,666,702, G>A on the plus strand (C>T on the coding strand, the complement: SHANK1 is on the minus strand). VCF-style: chr19-50666702-G-A. GRCh37 (hg19) VCF-style: chr19-51169959-G-A.
Other names: short protein forms T1753I.
Identifiers: ClinVar variation 1311808 (VCV001311808.2), dbSNP rs2123073396, ClinGen allele CA407007754.